The following is an entry in ClinVar:

ClinVar aggregate classification (germline): Uncertain significance (1 of 4 stars; one submission).

Conditions:
Cardiovascular phenotype. Identifiers: MedGen CN230736.

Submission:

Ambry Genetics
Classification: Uncertain significance for Cardiovascular phenotype. Last evaluated: 2019-11-15. Review status: criteria provided, single submitter. Criteria: Ambry Variant Classification Scheme 2023. Collection method: clinical testing. Allele origin: germline.
Comment: The p.G412E variant (also known as c.1235G>A), located in coding exon 8 of the RASA1 gene, results from a G to A substitution at nucleotide position 1235. The glycine at codon 412 is replaced by glutamic acid, an amino acid with similar properties. This amino acid position is highly conserved in available vertebrate species. In addition, this alteration is predicted to be deleterious by in silico analysis. Since supporting evidence is limited at this time, the clinical significance of this alteration remains unclear.

NM_002890.3(RASA1):c.1235G>A (p.Gly412Glu)

Genes: CCNH (cyclin H; minus strand), RASA1 (RAS p21 protein activator 1; plus strand). Cytogenetic location: 5q14.3.
Variant type: single nucleotide variant.
Coding change: c.1235G>A on transcript NM_002890.3 (MANE Select); coding-DNA position 1235, G replaced by A.
Protein change: p.Gly412Glu; replaces glycine 412 with glutamic acid.
Molecular consequence: missense variant. On other transcripts: intron variant (1).
Genome position (GRCh38, 1-based): chr5:87,349,346, G>A. VCF-style: chr5-87349346-G-A. GRCh37 (hg19) VCF-style: chr5-86645163-G-A.
Other names: c.704G>A, p.Gly235Glu (NM_022650.3); c.934-36551C>T (NM_001364075.2); short protein forms G412E, G235E.
Identifiers: ClinVar variation 1756712 (VCV001756712.2), dbSNP rs2531256407, ClinGen allele CA360364166.